The following continues an entry in ClinVar:

NM_000051.4(ATM):c.9023G>A (p.Arg3008His)

ClinVar aggregate classification (germline): Likely pathogenic. Likely pathogenic (1). ClinVar aggregate classification (somatic clinical impact): Tier I - Strong.

Submissions 17 to 22 of 22:

Department of Pathology and Laboratory Medicine, Sinai Health System
Classification: Likely pathogenic for Familial cancer of breast; Ataxia-telangiectasia syndrome. Last evaluated: 2022-08-10. Review status: criteria provided, single submitter. Criteria: ACMG Guidelines, 2015. Collection method: clinical testing. Allele origin: germline. Affected: yes. Not counted in ClinVar's aggregate classification.

Sema4
Classification: Likely pathogenic for Hereditary cancer-predisposing syndrome. Last evaluated: 2021-09-02. Review status: criteria provided, single submitter. Criteria: Sema4 Curation Guidelines. Collection method: curation. Allele origin: germline. Not counted in ClinVar's aggregate classification.
Comment: The ATM c.9023G>A (p.R3008H) variant has been reported in heterozygosity in at least 6 individuals with ATM-related cancers (PMID: 29752822, 31263571, 30620386, 31118792, 33436325) and as presumed compound heterozygous in at least 4 individuals with ataxia-telangiectasia (PMID: 32754152, 21665297, 30549301, 21665257). This variant was observed in 1/25122 chromosomes in the Finnish population, according to the Genome Aggregation Database (PMID: 32461654). This variant has been reported in ClinVar (Variation ID: 141634). A different pathogenic missense change at this codon, c.9022C>T (p.R3008C), has been reported in individuals affected with ataxia-telangiectasia (PMID: 9872980, 10817650, 12552566, 15101044, 18573109, 19431188). Based on the current evidence available, this variant is interpreted as likely pathogenic.

Spanish ATM Cancer Susceptibility Variant Interpretation Working Group
Classification: Likely pathogenic for Hereditary cancer-predisposing syndrome. Last evaluated: 2020-06-17. Review status: criteria provided, single submitter. Criteria: Feliubadaló L et al. (Clin Chem 2021). Collection method: clinical testing. Allele origin: germline. Affected: yes. Observed: 1 heterozygote. Not counted in ClinVar's aggregate classification.
Comment: The c.9023G>A (p.Arg3008His) variant has an allele frequency of 0.00075%, (2/268,268 alleles) in the gnomAD v2.1.1 non-cancer dataset, since it has been found once in the Finnish subpopulation (1/25,106) and once in the European non-Finnish subpopulation (1/118,102 alleles) (PM2). It is not predicted to lead to a splicing alteration according to SPiCE, and no splicing site is created or activated according to at least 3 splicing predictors of the set SpliceSiteFinderlike - MaxEntScan - NNSplice - GeneSplicer. However, the in silico protein effect prediction for this missense variant is inconclusive. On the other side, it is located at the somatic mutational hotspot codon p.Arg3008 (PM1). Moreover, the pathogenic variant c.9022C>T p.(Arg3008Cys) is located in the same codon. This variant was detected in two ataxia-telangiectasia probands (PS4_Moderate; PMID: 30549301, 21665257). Therefore, this variant meets criteria to be classified as likely pathogenic. Adapted ACMG/AMP rules applied as defined by the Spanish ATM working group: PM2 + PM1 + PS4_Moderate (PMID: 33280026).

Mendelics
Classification: Likely pathogenic for Ataxia-telangiectasia syndrome. Last evaluated: 2018-07-02. Review status: criteria provided, single submitter. Criteria: Mendelics Assertion Criteria 2017. Collection method: clinical testing. Allele origin: unknown. Not counted in ClinVar's aggregate classification.

Laboratory for Genotyping Development, RIKEN
Classification: Pathogenic for Gastric cancer. Last evaluated: 2021-07-01. Review status: no assertion criteria provided. Collection method: research. Allele origin: germline. Not counted in ClinVar's aggregate classification.

Cambridge Genomics Laboratory, East Genomic Laboratory Hub, NHS Genomic Medicine Service
Classification: Uncertain significance for Inherited breast cancer and ovarian cancer. Last evaluated: 2025-02-05. Review status: flagged submission. Criteria: ACGS Best Practice Guidelines for Variant Classification in Rare Disease 2020. Collection method: clinical testing. Allele origin: germline. Affected: yes. Not counted in ClinVar's aggregate classification.
Comment: PS3_Supporting,PM3_Strong
ClinVar note: Reason: Outlier claim with insufficient supporting evidence

Literature cited by the submitters: PubMed 36704080 (cited by Dasa and Ambry Genetics); PubMed 33598286 (cited by 3 submitters); PubMed 30549301 (cited by 8 submitters); PubMed 29752822 (cited by 7 submitters); PubMed 31118792 (cited by 6 submitters); PubMed 21665257 (cited by 11 submitters); PubMed 33436325 (cited by 4 submitters); PubMed 30620386 (cited by 5 submitters); PubMed 26536348 (cited by Dasa and Quest Diagnostics Nichols Institute San Juan Capistrano); PubMed 35480123 (cited by Dasa); PubMed 19404735 (cited by 7 submitters); PubMed 12552566 (cited by 4 submitters); PubMed 37627223 (cited by Dasa); PubMed 33239428 (cited by 6 submitters); PubMed 27304073 (cited by Dasa); PubMed 37958763 (cited by Dasa); PubMed 2166257 (cited by Labcorp Genetics (formerly Invitae), Labcorp); PubMed 32754152 (cited by 6 submitters); PubMed 9872980 (cited by Labcorp Genetics (formerly Invitae), Labcorp and Sema4); PubMed 10817650 (cited by Labcorp Genetics (formerly Invitae), Labcorp and Sema4); PubMed 15101044 (cited by Labcorp Genetics (formerly Invitae), Labcorp and Sema4); PubMed 18573109 (cited by 3 submitters); PubMed 19431188 (cited by Labcorp Genetics (formerly Invitae), Labcorp and Sema4); PubMed 10397742 (cited by 3 submitters); PubMed 11756177 (cited by 3 submitters); PubMed 12149228 (cited by 3 submitters); PubMed 12697903 (cited by 3 submitters); PubMed 17968022 (cited by 3 submitters); PubMed 21933854 (cited by Ambry Genetics and Quest Diagnostics Nichols Institute San Juan Capistrano); PubMed 22529920 (cited by Ambry Genetics and Quest Diagnostics Nichols Institute San Juan Capistrano); PubMed 23585524 (cited by 4 submitters); PubMed 27714650 (cited by Quest Diagnostics Nichols Institute San Juan Capistrano); PubMed 24584352 (cited by Quest Diagnostics Nichols Institute San Juan Capistrano); PubMed 33471991 (cited by Quest Diagnostics Nichols Institute San Juan Capistrano); PubMed 33280026 (cited by Quest Diagnostics Nichols Institute San Juan Capistrano); PubMed 35264596 (cited by Quest Diagnostics Nichols Institute San Juan Capistrano); PubMed 35886069 (cited by Quest Diagnostics Nichols Institute San Juan Capistrano); PubMed 31263571 (cited by Quest Diagnostics Nichols Institute San Juan Capistrano and Sema4); PubMed 28966033 (cited by Institute for Genomic Medicine (IGM) Clinical Laboratory, Nationwide Children's Hospital); PubMed 29763623 (cited by Institute for Genomic Medicine (IGM) Clinical Laboratory, Nationwide Children's Hospital); PubMed 28912153 (cited by Institute for Genomic Medicine (IGM) Clinical Laboratory, Nationwide Children's Hospital); PubMed 24705252 (cited by Institute for Genomic Medicine (IGM) Clinical Laboratory, Nationwide Children's Hospital); PubMed 27121310 (cited by Women's Health and Genetics/Laboratory Corporation of America, LabCorp); PubMed 31139954 (cited by Women's Health and Genetics/Laboratory Corporation of America, LabCorp); PubMed 29946849 (cited by Women's Health and Genetics/Laboratory Corporation of America, LabCorp); PubMed 21665297 (cited by Sema4); PubMed 36988593 (cited by Laboratory for Genotyping Development, RIKEN).